The following is an entry in ClinVar:

NM_003872.3(NRP2):c.1787-5C>T

Gene: NRP2 (neuropilin 2; plus strand). Cytogenetic location: 2q33.3.
Variant type: single nucleotide variant.
Coding change: c.1787-5C>T on transcript NM_003872.3 (MANE Select); 5 bases into the intron before coding-DNA position 1787, C replaced by T.
Molecular consequence: intron variant.
Genome position (GRCh38, 1-based): chr2:205,749,720, C>T. VCF-style: chr2-205749720-C-T. GRCh37 (hg19) VCF-style: chr2-206614444-C-T.
Other names: c.1787-5C>T (NM_201266.2, NM_201279.2, NM_018534.4 and 1 more transcripts).
Identifiers: ClinVar variation 3029684 (VCV003029684.2), dbSNP rs375441732, ClinGen allele CA2069215.

ClinVar aggregate classification (germline): Likely benign (0 of 4 stars; one submission).

Conditions:
NRP2-related disorder. Also called: NRP2-related condition.

Allele frequency attached by ClinVar (database versions not stated): ExAC 0.00001; gnomAD exomes 0.00001; ESP Exome Variant Server 0.00008.
gnomAD v4.1: 9 of 1,612,794 alleles (0.00056%); highest among the groups gnomAD compares: Non-Finnish European, 0.00076%; no homozygotes.

Submission:

PreventionGenetics, part of Exact Sciences
Classification: Likely benign for NRP2-related condition. Last evaluated: 2023-08-07. Review status: no assertion criteria provided. Collection method: clinical testing. Allele origin: germline.
Comment: This variant is classified as likely benign based on ACMG/AMP sequence variant interpretation guidelines (Richards et al. 2015 PMID: 25741868, with internal and published modifications).